The following is an entry in ClinVar:

NM_001393797.1(ABCC12):c.1969C>T (p.Leu657=)

Gene: ABCC12 (ATP binding cassette subfamily C member 12; minus strand). Cytogenetic location: 16q12.1.
Variant type: single nucleotide variant.
Coding change: c.1969C>T on transcript NM_001393797.1 (MANE Select); coding-DNA position 1969, C replaced by T.
Protein change: p.Leu657=; no amino-acid change (leucine 657 retained).
Molecular consequence: synonymous variant. On other transcripts: non-coding transcript variant (6).
Genome position (GRCh38, 1-based): chr16:48,115,435, G>A on the plus strand (C>T on the coding strand, the complement: ABCC12 is on the minus strand). VCF-style: chr16-48115435-G-A. GRCh37 (hg19) VCF-style: chr16-48149346-G-A.
Other names: c.1969C>T, p.Leu657= (NM_033226.3).
Identifiers: ClinVar variation 4991392 (VCV004991392.1).

ClinVar aggregate classification (germline): Likely benign (1 of 4 stars; one submission).

Conditions:
ABCC12-related condition.

gnomAD v4.1: 1 of 1,614,028 alleles (0.000062%); highest among the groups gnomAD compares: Non-Finnish European, 0.000085%; no homozygotes.

Submission:

PreventionGenetics, part of Exact Sciences
Classification: Likely benign for ABCC12-related condition. Last evaluated: 2026-09-08. Review status: criteria provided, single submitter. Criteria: ACMG Guidelines, 2015. Collection method: clinical testing. Allele origin: germline.
Comment: This variant is classified as likely benign based on ACMG/AMP sequence variant interpretation guidelines (Richards et al. 2015 PMID: 25741868, with internal and published modifications).